The following is an entry in ClinVar:

NM_004104.5(FASN):c.2924C>A (p.Pro975His)

Gene: FASN (fatty acid synthase; minus strand). Cytogenetic location: 17q25.3.
Variant type: single nucleotide variant.
Coding change: c.2924C>A on transcript NM_004104.5 (MANE Select); coding-DNA position 2924, C replaced by A.
Protein change: p.Pro975His; replaces proline 975 with histidine.
Molecular consequence: missense variant.
Genome position (GRCh38, 1-based): chr17:82,087,804, G>T on the plus strand (C>A on the coding strand, the complement: FASN is on the minus strand). VCF-style: chr17-82087804-G-T. GRCh37 (hg19) VCF-style: chr17-80045680-G-T.
Other names: short protein forms P975H.
Identifiers: ClinVar variation 852927 (VCV000852927.9), dbSNP rs369418619, ClinGen allele CA8852579.

ClinVar aggregate classification (germline): Uncertain significance (1 of 4 stars; one submission).

Conditions:
Epileptic encephalopathy. Identifiers: MedGen C0543888, HP:0200134.

Allele frequency attached by ClinVar (database versions not stated): gnomAD exomes below 0.00001; ExAC 0.00001; TOPMed 0.00001; ESP Exome Variant Server 0.00008.
gnomAD v4.1: 7 of 1,612,634 alleles (0.00043%); highest among the groups gnomAD compares: Non-Finnish European, 0.00059%; no homozygotes.

Submission:

Labcorp Genetics (formerly Invitae), Labcorp
Classification: Uncertain significance for Epileptic encephalopathy. Last evaluated: 2024-05-21. Review status: criteria provided, single submitter. Criteria: Invitae Variant Classification Sherloc (09022015). Collection method: clinical testing. Allele origin: germline.
Comment: This sequence change replaces proline, which is neutral and non-polar, with histidine, which is basic and polar, at codon 975 of the FASN protein (p.Pro975His). The frequency data for this variant in the population databases is considered unreliable, as metrics indicate poor data quality at this position in the gnomAD database. This variant has not been reported in the literature in individuals affected with FASN-related conditions. ClinVar contains an entry for this variant (Variation ID: 852927). An algorithm developed to predict the effect of missense changes on protein structure and function (PolyPhen-2) suggests that this variant is likely to be tolerated. In summary, the available evidence is currently insufficient to determine the role of this variant in disease. Therefore, it has been classified as a Variant of Uncertain Significance.